The following is an entry in ClinVar:

ClinVar aggregate classification (germline): Uncertain significance (1 of 4 stars; one submission).

Submission:

Dasa
Classification: Uncertain significance. Last evaluated: 2024-09-30. Review status: criteria provided, single submitter. Criteria: DASA Assertion Criteria. Collection method: clinical testing. Allele origin: germline.
Comment: NM_004456.5(EZH2):c.50A>G (p.Lys17Arg) is a missense variant that results in the substitution of lysine with arginine. This variant is absent from population databases. Computational prediction algorithms are consistent with a benign effect. The currently available literature and clinical evidence are not sufficient to establish a definitive association between this variant and the reported condition. Therefore, this variant is classified as a variant of uncertain significance.

NM_004456.5(EZH2):c.50A>G (p.Lys17Arg)

Gene: EZH2 (enhancer of zeste 2 polycomb repressive complex 2 subunit; minus strand). Cytogenetic location: 7q36.1.
Variant type: single nucleotide variant.
Coding change: c.50A>G on transcript NM_004456.5 (MANE Select); coding-DNA position 50, A replaced by G.
Protein change: p.Lys17Arg; replaces lysine 17 with arginine.
Molecular consequence: missense variant.
Genome position (GRCh38, 1-based): chr7:148,847,249, T>C on the plus strand (A>G on the coding strand, the complement: EZH2 is on the minus strand). VCF-style: chr7-148847249-T-C. GRCh37 (hg19) VCF-style: chr7-148544341-T-C.
Other names: c.50A>G, p.Lys17Arg (NM_001203247.2, NM_001203248.2, NM_001203249.2 and 1 more transcripts); short protein forms K17R.
Identifiers: ClinVar variation 4884995 (VCV004884995.2).